The following is an entry in ClinVar:

NM_001267550.2(TTN):c.23476G>T (p.Val7826Phe)

Gene: TTN (titin; minus strand). Cytogenetic location: 2q31.2.
Variant type: single nucleotide variant.
Coding change: c.23476G>T on transcript NM_001267550.2 (MANE Select); coding-DNA position 23476, G replaced by T.
Protein change: p.Val7826Phe; replaces valine 7826 with phenylalanine.
Molecular consequence: missense variant. On other transcripts: intron variant (3).
Genome position (GRCh38, 1-based): chr2:178,720,166, C>A on the plus strand (G>T on the coding strand, the complement: TTN is on the minus strand). VCF-style: chr2-178720166-C-A. GRCh37 (hg19) VCF-style: chr2-179584893-C-A.
Other names: c.22525G>T, p.Val7509Phe (NM_001256850.1); c.19744G>T, p.Val6582Phe (NM_133378.4); c.13282+17916G>T (NM_003319.4); c.13858+17916G>T (NM_133437.4); c.13657+17916G>T (NM_133432.3); short protein forms V6582F, V7509F, V7826F.
Identifiers: ClinVar variation 3900464 (VCV003900464.1).

ClinVar aggregate classification (germline): Uncertain significance (1 of 4 stars; one submission).

gnomAD v4.1: 11 of 1,613,744 alleles (0.00068%); highest among the groups gnomAD compares: Non-Finnish European, 0.00085%; no homozygotes.

Submission:

GeneDx
Classification: Uncertain significance. Last evaluated: 2024-11-20. Review status: criteria provided, single submitter. Criteria: GeneDx Variant Classification Process June 2021. Collection method: clinical testing. Allele origin: germline. Affected: yes.
Comment: Not observed at significant frequency in large population cohorts (gnomAD); Missense variant in a gene in which most reported pathogenic variants are truncating/loss of function; Has not been previously published as pathogenic or benign to our knowledge